The following is an entry in ClinVar:

NM_001384359.1(FUT1):c.366G>A (p.Pro122=)

Gene: FUT1 (fucosyltransferase 1 (H blood group); minus strand). Cytogenetic location: 19q13.33.
Variant type: single nucleotide variant.
Coding change: c.366G>A on transcript NM_001384359.1 (MANE Select); coding-DNA position 366, G replaced by A.
Protein change: p.Pro122=; no amino-acid change (proline 122 retained).
Molecular consequence: synonymous variant.
Genome position (GRCh38, 1-based): chr19:48,750,916, C>T on the plus strand (G>A on the coding strand, the complement: FUT1 is on the minus strand). VCF-style: chr19-48750916-C-T. GRCh37 (hg19) VCF-style: chr19-49254173-C-T.
Other names: c.366G>A, p.Pro122= (NM_000148.4, NM_001329877.1).
Identifiers: ClinVar variation 3030069 (VCV003030069.2), dbSNP rs765444091, ClinGen allele CA9557766.

ClinVar aggregate classification (germline): Likely benign (0 of 4 stars; one submission).

Conditions:
FUT1-related disorder. Also called: FUT1-related condition.

Allele frequency attached by ClinVar (database versions not stated): gnomAD 0.00003; TOPMed 0.00003; gnomAD exomes 0.00008; ExAC 0.00009.

Submission:

PreventionGenetics, part of Exact Sciences
Classification: Likely benign for FUT1-related condition. Last evaluated: 2023-02-16. Review status: no assertion criteria provided. Collection method: clinical testing. Allele origin: germline.
Comment: This variant is classified as likely benign based on ACMG/AMP sequence variant interpretation guidelines (Richards et al. 2015 PMID: 25741868, with internal and published modifications).